The following is an entry in ClinVar:

ClinVar aggregate classification (germline): Benign/Likely benign. Review status: criteria provided, multiple submitters, no conflicts (2 of 4 stars). 7 submissions from 7 submitters: Benign (2); Likely benign (5). Last evaluated 2026-01-26.

Conditions:
Cardiovascular phenotype. Identifiers: MedGen CN230736.
Hereditary hemorrhagic telangiectasia (HHT). Also called: ORW DISEASE; Osler Weber Rendu syndrome; OSLER-RENDU-WEBER DISEASE; Osler hemorrhagic telangiectasia syndrome. Identifiers: Orphanet 774, MedGen C0039445, MONDO:0019180. Disease mechanism: loss of function.
Telangiectasia, hereditary hemorrhagic, type 1 (HHT1). Also called: Osler Weber Rendu syndrome type 1; ENG-Related Hereditary Hemorrhagic Telangiectasia. Identifiers: Orphanet 774, MedGen C4551861, MONDO:0008535, OMIM 187300. Disease mechanism: loss of function.

Allele frequency attached by ClinVar (database versions not stated): ESP Exome Variant Server 0.00108; 1000 Genomes Project 30x 0.00078; gnomAD 0.00118 and 0.00124; 1000 Genomes Project 0.00060; TOPMed 0.00141.
gnomAD v4.1: 392 of 1,611,264 alleles (0.024%); highest among the groups gnomAD compares: African/African-American, 0.36%; 2 homozygotes.

Submissions (7):

Labcorp Genetics (formerly Invitae), Labcorp
Classification: Benign for Hereditary hemorrhagic telangiectasia. Last evaluated: 2026-01-26. Review status: criteria provided, single submitter. Criteria: Invitae Variant Classification Sherloc (09022015). Collection method: clinical testing. Allele origin: germline.

Mayo Clinic Laboratories, Mayo Clinic
Classification: Likely benign. Last evaluated: 2025-08-26. Review status: criteria provided, single submitter. Criteria: ACMG Guidelines, 2015. Collection method: clinical testing. Allele origin: germline. Observed: 3 variant alleles.
Comment: BS1, BP4, BP7

Blueprint Genetics
Classification: Likely benign. Last evaluated: 2024-03-12. Review status: criteria provided, single submitter. Criteria: ACMG Guidelines, 2015. Collection method: clinical testing. Allele origin: germline.

Illumina Laboratory Services, Illumina
Classification: Likely benign for Telangiectasia, hereditary hemorrhagic, type 1. Last evaluated: 2018-01-13. Review status: criteria provided, single submitter. Criteria: ICSL Variant Classification Criteria 13 December 2019. Collection method: clinical testing. Allele origin: germline.
Comment: This variant was observed in the ICSL laboratory as part of a predisposition screen in an ostensibly healthy population. It had not been previously curated by ICSL or reported in the Human Gene Mutation Database (HGMD: prior to June 1st, 2018), and was therefore a candidate for classification through an automated scoring system. Utilizing variant allele frequency, disease prevalence and penetrance estimates, and inheritance mode, an automated score was calculated to assess if this variant is too frequent to cause the disease. Based on the score and internal cut-off values, a variant classified as likely benign is not then subjected to further curation. The score for this variant resulted in a classification of likely benign for this disease.

Ambry Genetics
Classification: Likely benign for Cardiovascular phenotype. Last evaluated: 2015-09-29. Review status: criteria provided, single submitter. Criteria: Ambry Variant Classification Scheme 2023. Collection method: clinical testing. Allele origin: germline.

Laboratory for Molecular Medicine, Mass General Brigham Personalized Medicine
Classification: Benign. Last evaluated: 2013-02-21. Review status: criteria provided, single submitter. Criteria: LMM Criteria. Collection method: clinical testing. Allele origin: germline. Observed: 1 variant allele.
Comment: Pro244Pro in exon 6 of ENG: This variant is not expected to have clinical signif icance because it does not alter an amino acid residue and is not located within the splice consensus sequence. It has been identified in 0.3% (14/4406) of Afri can American chromosomes from a broad population by the NHLBI Exome Sequencing P roject (dbSNP rs112262663).

PreventionGenetics, part of Exact Sciences
Classification: Likely benign. Review status: criteria provided, single submitter. Criteria: ACMG Guidelines, 2015. Collection method: clinical testing. Allele origin: germline.

NM_001114753.3(ENG):c.732C>T (p.Pro244=)

Gene: ENG (endoglin; minus strand). Cytogenetic location: 9q34.11.
Variant type: single nucleotide variant.
Coding change: c.732C>T on transcript NM_001114753.3 (MANE Select); coding-DNA position 732, C replaced by T.
Protein change: p.Pro244=; no amino-acid change (proline 244 retained).
Molecular consequence: synonymous variant.
Genome position (GRCh38, 1-based): chr9:127,825,315, G>A on the plus strand (C>T on the coding strand, the complement: ENG is on the minus strand). VCF-style: chr9-127825315-G-A. GRCh37 (hg19) VCF-style: chr9-130587594-G-A.
Other names: p.Pro244=; c.732C>T, p.Pro244= (NM_000118.4, NM_001406715.1); c.186C>T, p.Pro62= (NM_001278138.2).
Identifiers: ClinVar variation 255146 (VCV000255146.25), dbSNP rs112262663, ClinGen allele CA5252999.
Genomic context (GRCh38, chr9:127,825,315, plus strand): 5'-GTCGATGAGCCAGGACACGTAGGGGGGACCCTGCAGGATGAGGACGGCATCGAGATCCCC[G>A]GGTGCGCAGCTCAGTTCCACCTTCACCGTCACCGTCCGGGGCCTGCGGGGAGACAGACGC-3'
Protein context (NP_001108225.1, residues 234-254): VTVKVELSCA[Pro244=]GDLDAVLILQ